The following is an entry in ClinVar:

ClinVar aggregate classification (germline): Uncertain significance (1 of 4 stars; one submission).

Conditions:
Primary dilated cardiomyopathy (DCM). Also called: Dilated Cardiomyopathy. Identifiers: Orphanet 217604, MedGen C0007193, MeSH D002311, MONDO:0005021, HP:0001644. Inheritance: Various modes of inheritance.
Hypertrophic cardiomyopathy. Also called: HYPERTROPHIC MYOCARDIOPATHY. Identifiers: Orphanet 217569, MedGen C0007194, MeSH D002312, MONDO:0005045, HP:0001639.

Submission:

Labcorp Genetics (formerly Invitae), Labcorp
Classification: Uncertain significance for Hypertrophic cardiomyopathy; Primary dilated cardiomyopathy. Last evaluated: 2022-05-06. Review status: criteria provided, single submitter. Criteria: Invitae Variant Classification Sherloc (09022015). Collection method: clinical testing. Allele origin: germline.
Comment: This variant results in the deletion of exons 6-8 and part of exon 5 (c.655_*35991del) of the PDLIM3 gene. While this deletion is not anticipated to lead to nonsense mediated decay, it is expected to alter mRNA translation or result in a truncated protein product. This variant has not been reported in the literature in individuals affected with PDLIM3-related conditions. In summary, the available evidence is currently insufficient to determine the role of this variant in disease. Therefore, it has been classified as a Variant of Uncertain Significance. Experimental studies and prediction algorithms are not available or were not evaluated, and the functional significance of this variant is currently unknown.

NC_000004.11:g.(?_186387457)_(186429460_?)del

Genes: PDLIM3 (PDZ and LIM domain 3; minus strand), CCDC110 (coiled-coil domain containing 110; minus strand). Cytogenetic location: 4q35.1.
Variant type: Deletion.
Identifiers: ClinVar variation 1411836 (VCV001411836.7).